The following is an entry in ClinVar:

NM_002839.4(PTPRD):c.4329A>G (p.Ile1443Met)

Gene: PTPRD (protein tyrosine phosphatase receptor type D; minus strand). Cytogenetic location: 9p24.1.
Variant type: single nucleotide variant.
Coding change: c.4329A>G on transcript NM_002839.4 (MANE Select); coding-DNA position 4329, A replaced by G.
Protein change: p.Ile1443Met; replaces isoleucine 1443 with methionine.
Molecular consequence: missense variant.
Genome position (GRCh38, 1-based): chr9:8,389,289, T>C on the plus strand (A>G on the coding strand, the complement: PTPRD is on the minus strand). VCF-style: chr9-8389289-T-C. GRCh37 (hg19) VCF-style: chr9-8389289-T-C.
Other names: c.3081A>G, p.Ile1027Met (NM_130393.3); c.3099A>G, p.Ile1033Met (NM_001040712.2); c.3108A>G, p.Ile1036Met (NM_001171025.2, NM_130391.4); c.3120A>G, p.Ile1040Met (NM_001377946.1); c.3090A>G, p.Ile1030Met (NM_001377947.1); c.4389A>G, p.Ile1463Met (NM_001377958.1); c.4344A>G, p.Ile1448Met (NM_001378058.1); c.3111A>G, p.Ile1037Met (NM_130392.3); short protein forms I1027M, I1030M, I1033M, I1036M, I1037M, I1040M, I1443M, I1448M.
Identifiers: ClinVar variation 5020798 (VCV005020798.1).

ClinVar aggregate classification (germline): Uncertain significance (1 of 4 stars; one submission).

Submission:

Dasa
Classification: Uncertain significance. Last evaluated: 2025-11-13. Review status: criteria provided, single submitter. Criteria: DASA Assertion Criteria. Collection method: clinical testing. Allele origin: germline.
Comment: NM_002839.4(PTPRD):c.4329A>G (p.Ile1443Met) is a missense variant that results in the substitution of isoleucine with methionine. This variant is absent from population databases. The currently available literature and clinical evidence are not sufficient to establish a definitive association between this variant and the reported condition. Therefore, this variant is classified as a variant of uncertain significance.